The following is an entry in ClinVar:

NM_001278.5(CHUK):c.1908C>A (p.Asp636Glu)

Gene: CHUK (component of inhibitor of nuclear factor kappa B kinase complex; minus strand). Cytogenetic location: 10q24.31.
Variant type: single nucleotide variant.
Coding change: c.1908C>A on transcript NM_001278.5 (MANE Select); coding-DNA position 1908, C replaced by A.
Protein change: p.Asp636Glu; replaces aspartic acid 636 with glutamic acid.
Molecular consequence: missense variant.
Genome position (GRCh38, 1-based): chr10:100,194,050, G>T on the plus strand (C>A on the coding strand, the complement: CHUK is on the minus strand). VCF-style: chr10-100194050-G-T. GRCh37 (hg19) VCF-style: chr10-101953807-G-T.
Other names: c.1908C>A, p.Asp636Glu (NM_001320928.2); short protein forms D636E.
Identifiers: ClinVar variation 2187807 (VCV002187807.2), dbSNP rs147154409, ClinGen allele CA5646313.

ClinVar aggregate classification (germline): Uncertain significance (1 of 4 stars; one submission).

Allele frequency attached by ClinVar (database versions not stated): ExAC 0.00005; gnomAD 0.00005; TOPMed 0.00006; ESP Exome Variant Server 0.00023.
gnomAD v4.1: 119 of 1,613,240 alleles (0.0074%); highest among the groups gnomAD compares: Non-Finnish European, 0.0094%; no homozygotes.

Submission:

Labcorp Genetics (formerly Invitae), Labcorp
Classification: Uncertain significance. Last evaluated: 2024-10-29. Review status: criteria provided, single submitter. Criteria: Invitae Variant Classification Sherloc (09022015). Collection method: clinical testing. Allele origin: germline.
Comment: This sequence change replaces aspartic acid, which is acidic and polar, with glutamic acid, which is acidic and polar, at codon 636 of the CHUK protein (p.Asp636Glu). This variant is present in population databases (rs147154409, gnomAD 0.01%). This variant has not been reported in the literature in individuals affected with CHUK-related conditions. ClinVar contains an entry for this variant (Variation ID: 2187807). An algorithm developed to predict the effect of missense changes on protein structure and function (PolyPhen-2) suggests that this variant¬†is likely to be tolerated. In summary, the available evidence is currently insufficient to determine the role of this variant in disease. Therefore, it has been classified as a Variant of Uncertain Significance.